The following is an entry in ClinVar:

NM_017849.4(TMEM127):c.20C>G (p.Ala7Gly)

Genes: TMEM127 (transmembrane protein 127; minus strand), LOC129934333 (ATAC-STARR-seq lymphoblastoid silent region 11759; plus strand). Cytogenetic location: 2q11.2.
Variant type: single nucleotide variant.
Coding change: c.20C>G on transcript NM_017849.4 (MANE Select); coding-DNA position 20, C replaced by G.
Protein change: p.Ala7Gly; replaces alanine 7 with glycine.
Molecular consequence: missense variant.
Genome position (GRCh38, 1-based): chr2:96,265,362, G>C on the plus strand (C>G on the coding strand, the complement: TMEM127 is on the minus strand). VCF-style: chr2-96265362-G-C. GRCh37 (hg19) VCF-style: chr2-96931100-G-C.
Other names: c.20C>G, p.Ala7Gly (NM_001193304.3); short protein forms A7G.
Identifiers: ClinVar variation 1482178 (VCV001482178.8), dbSNP rs1357430519, ClinGen allele CA347656313.
Genomic context (GRCh38, chr2:96,265,362, plus strand): 5'-GGCTGCTTGGGCAGAGCGCTGCCTCCCGGGCTCCTCCGCCGGCGCCCGCCGGGCAGCCCT[G>C]CGCCTCCGGGGGCGTACATGCCCGGGGCCGCCCGCCGTCGCTCCGCAGTCGCTGCTGGTC-3'
Protein context (NP_060319.1, residues 1-17): MYAPGG[Ala7Gly]GLPGGRRRRS

ClinVar aggregate classification (germline): Uncertain significance (1 of 4 stars; one submission).

Conditions:
Hereditary pheochromocytoma and paraganglioma. Also called: Hereditary paragangliomas and pheochromocytomas; Hereditary Paraganglioma-Pheochromocytoma Syndromes; Hereditary pheochromocytoma-paraganglioma. Identifiers: Orphanet 29072, MedGen C4274332, MONDO:0017366.

Submission:

Labcorp Genetics (formerly Invitae), Labcorp
Classification: Uncertain significance for Hereditary pheochromocytoma and paraganglioma. Last evaluated: 2020-11-06. Review status: criteria provided, single submitter. Criteria: Invitae Variant Classification Sherloc (09022015). Collection method: clinical testing. Allele origin: germline.
Comment: This sequence change replaces alanine with glycine at codon 7 of the TMEM127 protein (p.Ala7Gly). The alanine residue is moderately conserved and there is a small physicochemical difference between alanine and glycine. The frequency data for this variant in the population databases is considered unreliable, as metrics indicate insufficient coverage at this position in the ExAC database. This variant has not been reported in the literature in individuals with TMEM127-related conditions. Algorithms developed to predict the effect of missense changes on protein structure and function are either unavailable or do not agree on the potential impact of this missense change (SIFT: "Tolerated"; PolyPhen-2: "Not Available"; Align-GVGD: "Class C0"). In summary, the available evidence is currently insufficient to determine the role of this variant in disease. Therefore, it has been classified as a Variant of Uncertain Significance.